The following is an entry in ClinVar:

NM_001110556.2(FLNA):c.4082A>G (p.His1361Arg)

Gene: FLNA (filamin A; minus strand). Cytogenetic location: Xq28.
Variant type: single nucleotide variant.
Coding change: c.4082A>G on transcript NM_001110556.2 (MANE Select); coding-DNA position 4082, A replaced by G.
Protein change: p.His1361Arg; replaces histidine 1361 with arginine.
Molecular consequence: missense variant.
Genome position (GRCh38, 1-based): chrX:154,359,544, T>C on the plus strand (A>G on the coding strand, the complement: FLNA is on the minus strand). VCF-style: chrX-154359544-T-C. GRCh37 (hg19) VCF-style: chrX-153587912-T-C.
Other names: p.H1361R:CAC>CGC; c.4082A>G, p.His1361Arg (NM_001456.4); short protein forms H1361R.
Identifiers: ClinVar variation 213506 (VCV000213506.13), dbSNP rs782774182, ClinGen allele CA321659.
Genomic context (GRCh38, chrX:154,359,544, plus strand): 5'-CTGGTCTCCACAGTGAACTTGTTGGGCTTGTTGGTGGTGCCACTTTGGATGCCTGGCCCG[T>C]GGACACGCACCCGGGAGGGGTCGCAGCCCTCGGTCACGGGCACCTGGAAGGGGCTGCTGG-3'
Protein context (NP_001104026.1, residues 1351-1371): EGCDPSRVRV[His1361Arg]GPGIQSGTTN

ClinVar aggregate classification (germline): Conflicting classifications of pathogenicity. Review status: criteria provided, conflicting classifications (1 of 4 stars). 4 submissions from 4 submitters: Uncertain significance (1); Benign (1); Likely benign (2). Last evaluated 2025-09-19.

Conditions:
Oto-palato-digital syndrome, type II (OPD2). Also called: FACIOPALATOOSSEOUS SYNDROME; Otopalatodigital Syndrome, Type II; Otopalatodigital Syndrome Type 2 (FLNA-OPD2); OPD II SYNDROME. Identifiers: Orphanet 669, Orphanet 90652, MedGen C1844696, MONDO:0010571, OMIM 304120.
Heterotopia, periventricular, X-linked dominant (PVNH1). Also called: X-linked periventricular heterotopia; PERIVENTRICULAR NODULAR HETEROTOPIA 1; PERIVENTRICULAR NODULAR HETEROTOPIA 4; HETEROTOPIA, PERIVENTRICULAR, 1. Identifiers: Orphanet 2149, Orphanet 82004, MedGen C1848213, MONDO:0010233, OMIM 300049.
Frontometaphyseal dysplasia (FMD1). Identifiers: Orphanet 1826, MedGen C0265293, MONDO:0015942.
Melnick-Needles syndrome (MNS). Also called: Melnick-Needles Syndrome (FLNA-MNS); MELNICK-NEEDLES OSTEODYSPLASTY; OSTEODYSPLASTY OF MELNICK AND NEEDLES. Identifiers: Orphanet 2484, MedGen C0025237, MONDO:0010650, OMIM 309350.
Familial thoracic aortic aneurysm and aortic dissection (TAAD). Also called: Thoracic aortic aneurysms and dissections. Identifiers: Orphanet 91387, MedGen C4707243, MONDO:0019625.

Allele frequency attached by ClinVar (database versions not stated): TOPMed below 0.00001; gnomAD 0.00001; gnomAD exomes 0.00001 and 0.00009; ExAC 0.00007.
gnomAD v4.1: 15 of 1,209,424 alleles (0.0012%); highest among the groups gnomAD compares: East Asian, 0.044%; no homozygotes.

Submissions (4):

Labcorp Genetics (formerly Invitae), Labcorp
Classification: Benign for Oto-palato-digital syndrome, type II; Heterotopia, periventricular, X-linked dominant; Frontometaphyseal dysplasia; Melnick-Needles syndrome. Last evaluated: 2025-09-19. Review status: criteria provided, single submitter. Criteria: Invitae Variant Classification Sherloc (09022015). Collection method: clinical testing. Allele origin: germline.

Ambry Genetics
Classification: Likely benign for Familial thoracic aortic aneurysm and aortic dissection. Last evaluated: 2023-04-24. Review status: criteria provided, single submitter. Criteria: Ambry Variant Classification Scheme 2023. Collection method: clinical testing. Allele origin: germline.

Blueprint Genetics
Classification: Likely benign. Last evaluated: 2023-03-21. Review status: criteria provided, single submitter. Criteria: ACMG Guidelines, 2015. Collection method: clinical testing. Allele origin: germline.

GeneDx
Classification: Uncertain significance. Last evaluated: 2014-09-05. Review status: criteria provided, single submitter. Criteria: GeneDx Variant Classification (06012015). Collection method: clinical testing. Allele origin: germline. Affected: yes.
Comment: The H1361R variant has not been published as a mutation, nor has it been reported as a benign polymorphism to our knowledge. The H1361R variant was not observed in approximately 6,200 individuals of European and African American ancestry in the NHLBI Exome Sequencing Project, indicating it is not a common benign variant in these populations. This substitution occurs at a position that is conserved among mammals. However, the H1361R variant is a conservative amino acid substitution, which is not likely to impact secondary protein structure as these residues share similar properties. Additionally, in silico analysis is inconsistent in its predictions as to whether or not the variant is damaging to the protein structure/function. Furthermore, missense mutations in nearby residues have not been reported, indicating this region of the protein may be tolerant of change. Therefore, based on the currently available information, it is unclear whether this variant is a pathogenic mutation or a rare benign variant. This variant was found in TAAD